The following is an entry in ClinVar:

NM_004385.5(VCAN):c.*1601T>A

Gene: VCAN (versican; plus strand). Cytogenetic location: 5q14.3.
Variant type: single nucleotide variant.
Coding change: c.*1601T>A on transcript NM_004385.5 (MANE Select); 1601 bases downstream of the stop codon, T replaced by A.
Molecular consequence: 3 prime UTR variant.
Genome position (GRCh38, 1-based): chr5:83,582,035, T>A. VCF-style: chr5-83582035-T-A. GRCh37 (hg19) VCF-style: chr5-82877854-T-A.
Other names: c.*1601T>A (NM_001126336.3, NM_001164097.2, NM_001164098.2).
Identifiers: ClinVar variation 354495 (VCV000354495.6), dbSNP rs1050948, ClinGen allele CA10622404.

ClinVar aggregate classification (germline): Benign (1 of 4 stars; one submission).

Conditions:
Vitreoretinopathy. Also called: Vitreoretinal degeneration. Identifiers: MedGen C0344290, MONDO:0020248, HP:0007773.

Allele frequency attached by ClinVar (database versions not stated): TOPMed 0.13051; gnomAD 0.13706 and 0.14171; 1000 Genomes Project 30x 0.16458; 1000 Genomes Project 0.16653.

Submission:

Illumina Laboratory Services, Illumina
Classification: Benign for Vitreoretinopathy. Last evaluated: 2018-01-13. Review status: criteria provided, single submitter. Criteria: ICSL Variant Classification Criteria 13 December 2019. Collection method: clinical testing. Allele origin: germline.
Comment: This variant was observed in the ICSL laboratory as part of a predisposition screen in an ostensibly healthy population. It had not been previously curated by ICSL or reported in the Human Gene Mutation Database (HGMD: prior to June 1st, 2018), and was therefore a candidate for classification through an automated scoring system. Utilizing variant allele frequency, disease prevalence and penetrance estimates, and inheritance mode, an automated score was calculated to assess if this variant is too frequent to cause the disease. Based on the score and internal cut-off values, a variant classified as benign is not then subjected to further curation. The score for this variant resulted in a classification of benign for this disease.